The following is an entry in ClinVar:

ClinVar aggregate classification (germline): Uncertain significance (1 of 4 stars; one submission).

Conditions:
Inborn genetic diseases. Identifiers: MedGen C0950123, MeSH D030342.

Submission:

Ambry Genetics
Classification: Uncertain significance for Inborn genetic diseases. Last evaluated: 2026-09-03. Review status: criteria provided, single submitter. Criteria: Ambry Variant Classification Scheme 2023. Collection method: clinical testing. Allele origin: germline.
Comment: The p.S257R variant (also known as c.771T>G), located in coding exon 5 of the RECQL4 gene, results from a T to G substitution at nucleotide position 771. The serine at codon 257 is replaced by arginine, an amino acid with dissimilar properties. This amino acid position is conserved. In addition, this alteration is predicted to be tolerated by in silico analysis. Based on the available evidence, the clinical significance of this variant remains unclear.

NM_004260.4(RECQL4):c.771T>G (p.Ser257Arg)

Gene: RECQL4 (RecQ like helicase 4; minus strand). Cytogenetic location: 8q24.3.
Variant type: single nucleotide variant.
Coding change: c.771T>G on transcript NM_004260.4 (MANE Select); coding-DNA position 771, T replaced by G.
Protein change: p.Ser257Arg; replaces serine 257 with arginine.
Molecular consequence: missense variant. On other transcripts: 5 prime UTR variant (17), non-coding transcript variant (3).
Genome position (GRCh38, 1-based): chr8:144,516,348, A>C on the plus strand (T>G on the coding strand, the complement: RECQL4 is on the minus strand). VCF-style: chr8-144516348-A-C. GRCh37 (hg19) VCF-style: chr8-145741732-A-C.
Other names: c.771T>G, p.Ser257Arg (NM_001413017.1, NM_001413018.1, NM_001413019.1 and 4 more transcripts); c.-301T>G (NM_001413021.1, NM_001413022.1, NM_001413023.1 and 7 more transcripts); c.642T>G, p.Ser214Arg (NM_001413025.1); c.-363T>G (NM_001413027.1, NM_001413030.1, NM_001413031.1 and 2 more transcripts); c.420T>G, p.Ser140Arg (NM_001413029.1); c.-205T>G (NM_001413034.1); c.-570T>G (NM_001413043.1); short protein forms S257R, S140R, S214R.
Identifiers: ClinVar variation 5028119 (VCV005028119.1).